The following is an entry in ClinVar:

NM_183357.3(ADCY5):c.2413T>G (p.Phe805Val)

Gene: ADCY5 (adenylate cyclase 5; minus strand). Cytogenetic location: 3q21.1.
Variant type: single nucleotide variant.
Coding change: c.2413T>G on transcript NM_183357.3 (MANE Select); coding-DNA position 2413, T replaced by G.
Protein change: p.Phe805Val; replaces phenylalanine 805 with valine.
Molecular consequence: missense variant.
Genome position (GRCh38, 1-based): chr3:123,314,264, A>C on the plus strand (T>G on the coding strand, the complement: ADCY5 is on the minus strand). VCF-style: chr3-123314264-A-C. GRCh37 (hg19) VCF-style: chr3-123033111-A-C.
Other names: c.1363T>G, p.Phe455Val (NM_001199642.1); c.2413T>G, p.Phe805Val (NM_001378259.1); short protein forms F805V, F455V.
Identifiers: ClinVar variation 1511324 (VCV001511324.6), dbSNP rs763645391, ClinGen allele CA2577143.

ClinVar aggregate classification (germline): Uncertain significance (1 of 4 stars; one submission).

Allele frequency attached by ClinVar (database versions not stated): gnomAD exomes below 0.00001; ExAC 0.00001.
gnomAD v4.1: 2 of 1,613,750 alleles (0.00012%); highest among the groups gnomAD compares: Non-Finnish European, 0.00017%; no homozygotes.

Submission:

Labcorp Genetics (formerly Invitae), Labcorp
Classification: Uncertain significance. Last evaluated: 2024-10-25. Review status: criteria provided, single submitter. Criteria: Invitae Variant Classification Sherloc (09022015). Collection method: clinical testing. Allele origin: germline.
Comment: This sequence change replaces phenylalanine, which is neutral and non-polar, with valine, which is neutral and non-polar, at codon 805 of the ADCY5 protein (p.Phe805Val). The frequency data for this variant in the population databases is considered unreliable, as metrics indicate poor data quality at this position in the gnomAD database. This variant has not been reported in the literature in individuals affected with ADCY5-related conditions. ClinVar contains an entry for this variant (Variation ID: 1511324). Invitae Evidence Modeling of protein sequence and biophysical properties (such as structural, functional, and spatial information, amino acid conservation, physicochemical variation, residue mobility, and thermodynamic stability) has been performed for this missense variant. However, the output from this modeling did not meet the statistical confidence thresholds required to predict the impact of this variant on ADCY5 protein function. In summary, the available evidence is currently insufficient to determine the role of this variant in disease. Therefore, it has been classified as a Variant of Uncertain Significance.